The following is an entry in ClinVar:

ClinVar aggregate classification (germline): Conflicting classifications of pathogenicity. Review status: criteria provided, conflicting classifications (1 of 4 stars). 2 submissions from 2 submitters: Uncertain significance (1); Benign (1). Last evaluated 2025-09-25.

Conditions:
Hereditary cancer-predisposing syndrome. Also called: Neoplastic Syndromes, Hereditary; Hereditary Cancer Syndrome; Tumor predisposition; Hereditary neoplastic syndrome. Identifiers: Orphanet 140162, MedGen C0027672, MeSH D009386, MONDO:0015356.
Fanconi anemia complementation group O. Also called: RAD51C-Related Fanconi Anemia. Identifiers: Orphanet 84, MedGen C3150653, MONDO:0013248, OMIM 613390.

Allele frequency attached by ClinVar (database versions not stated): gnomAD exomes below 0.00001 and 0.00001; ExAC 0.00002.
gnomAD v4.1: 3 of 1,612,324 alleles (0.00019%); highest among the groups gnomAD compares: South Asian, 0.0033%; no homozygotes.

Submissions (2):

Ambry Genetics
Classification: Benign for Hereditary cancer-predisposing syndrome. Last evaluated: 2025-09-25. Review status: criteria provided, single submitter. Criteria: Ambry Variant Classification Scheme 2023. Collection method: clinical testing. Allele origin: germline.

Labcorp Genetics (formerly Invitae), Labcorp
Classification: Uncertain significance for Fanconi anemia complementation group O. Last evaluated: 2025-06-09. Review status: criteria provided, single submitter. Criteria: Invitae Variant Classification Sherloc (09022015). Collection method: clinical testing. Allele origin: germline.
Comment: This sequence change replaces threonine, which is neutral and polar, with alanine, which is neutral and non-polar, at codon 259 of the RAD51C protein (p.Thr259Ala). This variant is present in population databases (rs779954908, gnomAD 0.006%). This variant has not been reported in the literature in individuals affected with RAD51C-related conditions. ClinVar contains an entry for this variant (Variation ID: 1517244). Invitae Evidence Modeling of protein sequence and biophysical properties (such as structural, functional, and spatial information, amino acid conservation, physicochemical variation, residue mobility, and thermodynamic stability) indicates that this missense variant is not expected to disrupt RAD51C protein function with a negative predictive value of 80%. In summary, the available evidence is currently insufficient to determine the role of this variant in disease. Therefore, it has been classified as a Variant of Uncertain Significance.

NM_058216.3(RAD51C):c.775A>G (p.Thr259Ala)

Gene: RAD51C (RAD51 paralog C; plus strand). Cytogenetic location: 17q22.
Variant type: single nucleotide variant.
Coding change: c.775A>G on transcript NM_058216.3 (MANE Select); coding-DNA position 775, A replaced by G.
Protein change: p.Thr259Ala; replaces threonine 259 with alanine.
Molecular consequence: missense variant. On other transcripts: non-coding transcript variant (1).
Genome position (GRCh38, 1-based): chr17:58,709,928, A>G. VCF-style: chr17-58709928-A-G. GRCh37 (hg19) VCF-style: chr17-56787289-A-G.
Other names: short protein forms T259A.
Identifiers: ClinVar variation 1517244 (VCV001517244.11), dbSNP rs779954908, ClinGen allele CA8677329.